The following is an entry in ClinVar:

NM_001204.7(BMPR2):c.2191G>A (p.Ala731Thr)

Gene: BMPR2 (bone morphogenetic protein receptor type 2; plus strand). Cytogenetic location: 2q33.2.
Variant type: single nucleotide variant.
Coding change: c.2191G>A on transcript NM_001204.7 (MANE Select); coding-DNA position 2191, G replaced by A.
Protein change: p.Ala731Thr; replaces alanine 731 with threonine.
Molecular consequence: missense variant.
Genome position (GRCh38, 1-based): chr2:202,555,856, G>A. VCF-style: chr2-202555856-G-A. GRCh37 (hg19) VCF-style: chr2-203420579-G-A.
Other names: short protein forms A731T.
Identifiers: ClinVar variation 4214423 (VCV004214423.1).

ClinVar aggregate classification (germline): Uncertain significance (1 of 4 stars; one submission).

Conditions:
Inborn genetic diseases. Identifiers: MedGen C0950123, MeSH D030342.

gnomAD v4.1: 1 of 1,614,016 alleles (0.000062%); highest among the groups gnomAD compares: Non-Finnish European, 0.000085%; no homozygotes.

Submission:

Ambry Genetics
Classification: Uncertain significance for Inborn genetic diseases. Last evaluated: 2025-06-28. Review status: criteria provided, single submitter. Criteria: Ambry Variant Classification Scheme 2023. Collection method: clinical testing. Allele origin: germline.
Comment: The p.A731T variant (also known as c.2191G>A), located in coding exon 12 of the BMPR2 gene, results from a G to A substitution at nucleotide position 2191. The alanine at codon 731 is replaced by threonine, an amino acid with similar properties. This amino acid position is conserved. In addition, this alteration is predicted to be tolerated by in silico analysis. Based on the available evidence, the clinical significance of this variant remains unclear.